The following is an entry in ClinVar:

ClinVar aggregate classification (germline): Pathogenic (1 of 4 stars; one submission).

Conditions:
MEGF10-related myopathy (CMYO10A). Also called: Congenital myopathy 10A, severe variant. Identifiers: Orphanet 439212, MedGen C3280679, MONDO:0013731, OMIM 614399.

Submission:

Labcorp Genetics (formerly Invitae), Labcorp
Classification: Pathogenic for MEGF10-related myopathy. Last evaluated: 2020-11-06. Review status: criteria provided, single submitter. Criteria: Invitae Variant Classification Sherloc (09022015). Collection method: clinical testing. Allele origin: germline.
Comment: For these reasons, this variant has been classified as Pathogenic. Loss-of-function variants in MEGF10 are known to be pathogenic (PMID: 22101682, 22371254, 23453856, 23954233). This variant has not been reported in the literature in individuals with MEGF10-related conditions. This variant is not present in population databases (ExAC no frequency). This sequence change creates a premature translational stop signal (p.Arg1057*) in the MEGF10 gene. It is expected to result in an absent or disrupted protein product.

Literature cited by the submitters: PubMed 22101682; PubMed 22371254; PubMed 23453856; PubMed 23954233.

NM_001256545.2(MEGF10):c.3169A>T (p.Arg1057Ter)

Gene: MEGF10 (multiple EGF like domains 10; plus strand). Cytogenetic location: 5q23.2.
Variant type: single nucleotide variant.
Coding change: c.3169A>T on transcript NM_001256545.2 (MANE Select); coding-DNA position 3169, A replaced by T.
Protein change: p.Arg1057Ter; replaces arginine 1057 with a stop codon.
Molecular consequence: nonsense.
Genome position (GRCh38, 1-based): chr5:127,455,544, A>T. VCF-style: chr5-127455544-A-T. GRCh37 (hg19) VCF-style: chr5-126791236-A-T.
Other names: c.3169A>T, p.Arg1057Ter (NM_032446.3); short protein forms R1057*.
Identifiers: ClinVar variation 1073582 (VCV001073582.7), dbSNP rs1766329158, ClinGen allele CA360717159.
Genomic context (GRCh38, chr5:127,455,544, plus strand): 5'-CCTGTACTTATCCCGAAAAGCTCAGAGTGTGGTTATGTGGAGATGAAATCGCCGGCACGA[A>T]GAGATTCCCCATATGCAGAGATCAATAACTCAACTTCAGCCAACAGGAATGTCTATGAAG-3'